The following is an entry in ClinVar:

ClinVar aggregate classification (germline): Conflicting classifications of pathogenicity. Review status: criteria provided, conflicting classifications (1 of 4 stars). 4 submissions from 4 submitters: Uncertain significance (3); Likely benign (1). Last evaluated 2025-05-25.

Conditions:
Hereditary cancer-predisposing syndrome. Also called: Neoplastic Syndromes, Hereditary; Hereditary Cancer Syndrome; Hereditary neoplastic syndrome; Tumor predisposition. Identifiers: Orphanet 140162, MedGen C0027672, MeSH D009386, MONDO:0015356.
Familial cancer of breast. Also called: Hereditary breast cancer; hereditary breast carcinoma; BREAST CANCER, FAMILIAL. Identifiers: Orphanet 227535, MedGen C0346153, MONDO:0016419, OMIM 114480. Disease mechanism: loss of function.
Fanconi anemia complementation group J. Also called: BRIP1-Related Fanconi Anemia. Identifiers: Orphanet 84, MedGen C1836860, MONDO:0012187, OMIM 609054.

gnomAD v4.1: 1 of 1,613,938 alleles (0.000062%); highest among the groups gnomAD compares: Non-Finnish European, 0.000085%; no homozygotes.

Submissions (4):

Labcorp Genetics (formerly Invitae), Labcorp
Classification: Uncertain significance for Familial cancer of breast; Fanconi anemia complementation group J. Last evaluated: 2025-05-25. Review status: criteria provided, single submitter. Criteria: Invitae Variant Classification Sherloc (09022015). Collection method: clinical testing. Allele origin: germline.
Comment: This sequence change replaces glycine, which is neutral and non-polar, with arginine, which is basic and polar, at codon 1009 of the BRIP1 protein (p.Gly1009Arg). This variant is not present in population databases (gnomAD no frequency). This variant has not been reported in the literature in individuals affected with BRIP1-related conditions. ClinVar contains an entry for this variant (Variation ID: 140861). Invitae Evidence Modeling of protein sequence and biophysical properties (such as structural, functional, and spatial information, amino acid conservation, physicochemical variation, residue mobility, and thermodynamic stability) indicates that this missense variant is not expected to disrupt BRIP1 protein function with a negative predictive value of 95%. In summary, the available evidence is currently insufficient to determine the role of this variant in disease. Therefore, it has been classified as a Variant of Uncertain Significance.

Center for Genomic Medicine, Rigshospitalet, Copenhagen University Hospital
Classification: Uncertain significance. Last evaluated: 2025-03-04. Review status: criteria provided, single submitter. Criteria: ACMG Guidelines, 2015. Collection method: clinical testing. Allele origin: germline.

Ambry Genetics
Classification: Likely benign for Hereditary cancer-predisposing syndrome. Last evaluated: 2024-03-20. Review status: criteria provided, single submitter. Criteria: Ambry Variant Classification Scheme 2023. Collection method: clinical testing. Allele origin: germline.

Sema4
Classification: Uncertain significance for Hereditary cancer-predisposing syndrome. Last evaluated: 2021-12-05. Review status: criteria provided, single submitter. Criteria: Sema4 Curation Guidelines. Collection method: curation. Allele origin: germline.
Comment: The BRIP1 c.3025G>A (p.G1009R) variant has not been reported in individuals with BRIP1-related disease. It has been reported in a large case-control study of breast cancer in 1/60466 cases and in 4/53461 controls (PMID: 33471991). It was not observed in the large and broad cohorts of the Genome Aggregation Database. This variant has been reported in ClinVar (Variation ID: 140861). In silico tools suggest the impact of the variant on protein function is benign, though these predictions have not been confirmed by functional studies. The evidence is insufficient to meet ACMG/AMP criteria for classifying the variant as benign or pathogenic. Thus, the clinical significance of this variant is currently uncertain.

Literature cited by the submitters: PubMed 33471991 (cited by Ambry Genetics and Sema4).

NM_032043.3(BRIP1):c.3025G>A (p.Gly1009Arg)

Gene: BRIP1 (BRCA1 interacting DNA helicase 1; minus strand). Cytogenetic location: 17q23.2.
Variant type: single nucleotide variant.
Coding change: c.3025G>A on transcript NM_032043.3 (MANE Select); coding-DNA position 3025, G replaced by A.
Protein change: p.Gly1009Arg; replaces glycine 1009 with arginine.
Molecular consequence: missense variant.
Genome position (GRCh38, 1-based): chr17:61,684,021, C>T on the plus strand (G>A on the coding strand, the complement: BRIP1 is on the minus strand). VCF-style: chr17-61684021-C-T. GRCh37 (hg19) VCF-style: chr17-59761382-C-T.
Other names: short protein forms G1009R.
Identifiers: ClinVar variation 140861 (VCV000140861.13), dbSNP rs587781328, ClinGen allele CA163764.
Genomic context (GRCh38, chr17:61,684,021, plus strand): 5'-TATTCTCTGATGACCCGAGCTCAGGTGTTGCCTTCGGTATTTTACCAGTAAAATACTGTC[C>T]CAAAGAATTAAAGCTTGACCAGCTAACTCTCTTTGTTTGTTTGTTGAAAGTTGGGCTTGT-3'
Protein context (NP_114432.2, residues 999-1019): RVSWSSFNSL[Gly1009Arg]QYFTGKIPKA